The following is an entry in ClinVar:

ClinVar aggregate classification (germline): Uncertain significance. Review status: criteria provided, multiple submitters, no conflicts (2 of 4 stars). 2 submissions from 2 submitters: Uncertain significance (2). Last evaluated 2023-04-07.

Conditions:
Inborn genetic diseases. Identifiers: MedGen C0950123, MeSH D030342.
Neuropathy, hereditary sensory and autonomic, type 2A (HSAN2A). Also called: ACROOSTEOLYSIS, GIACCAI TYPE; ACROOSTEOLYSIS, NEUROGENIC; HSAN IIA; NEUROPATHY, HEREDITARY SENSORY, TYPE IIA; NEUROPATHY, PROGRESSIVE SENSORY, OF CHILDREN; WNK1-Related HSAN2 (HSAN2A). Identifiers: Orphanet 970, MedGen C2752089, MONDO:0024309, OMIM 201300.
Generalized epilepsy with febrile seizures plus, type 7 (GEFSP7). Also called: GEFS+, TYPE 7. Identifiers: Orphanet 36387, MedGen C2751778, MONDO:0013470, OMIM 613863.

Allele frequency attached by ClinVar (database versions not stated): gnomAD 0.00001; gnomAD exomes 0.00001; TOPMed 0.00001.
gnomAD v4.1: 8 of 1,612,538 alleles (0.0005%); highest among the groups gnomAD compares: South Asian, 0.0011%; no homozygotes.

Submissions (2):

Labcorp Genetics (formerly Invitae), Labcorp
Classification: Uncertain significance for Neuropathy, hereditary sensory and autonomic, type 2A; Generalized epilepsy with febrile seizures plus, type 7. Last evaluated: 2023-04-07. Review status: criteria provided, single submitter. Criteria: Invitae Variant Classification Sherloc (09022015). Collection method: clinical testing. Allele origin: germline.
Comment: In summary, the available evidence is currently insufficient to determine the role of this variant in disease. Therefore, it has been classified as a Variant of Uncertain Significance. An algorithm developed to predict the effect of missense changes on protein structure and function (PolyPhen-2) suggests that this variant is likely to be disruptive. ClinVar contains an entry for this variant (Variation ID: 851470). This variant has not been reported in the literature in individuals affected with SCN9A-related conditions. This variant is present in population databases (no rsID available, gnomAD 0.002%). This sequence change replaces tyrosine, which is neutral and polar, with serine, which is neutral and polar, at codon 157 of the SCN9A protein (p.Tyr157Ser).

Ambry Genetics
Classification: Uncertain significance for Inborn genetic diseases. Last evaluated: 2022-06-24. Review status: criteria provided, single submitter. Criteria: Ambry Variant Classification Scheme 2023. Collection method: clinical testing. Allele origin: germline.

NM_001365536.1(SCN9A):c.470A>C (p.Tyr157Ser)

Gene: SCN9A (sodium voltage-gated channel alpha subunit 9; minus strand). Cytogenetic location: 2q24.3.
Variant type: single nucleotide variant.
Coding change: c.470A>C on transcript NM_001365536.1 (MANE Select); coding-DNA position 470, A replaced by C.
Protein change: p.Tyr157Ser; replaces tyrosine 157 with serine.
Molecular consequence: missense variant.
Genome position (GRCh38, 1-based): chr2:166,305,918, T>G on the plus strand (A>C on the coding strand, the complement: SCN9A is on the minus strand). VCF-style: chr2-166305918-T-G. GRCh37 (hg19) VCF-style: chr2-167162428-T-G.
Other names: c.470A>C, p.Tyr157Ser (NM_002977.4); short protein forms Y157S.
Identifiers: ClinVar variation 851470 (VCV000851470.11), dbSNP rs1425019963, ClinGen allele CA349095281.